The following is an entry in ClinVar:

ClinVar aggregate classification (germline): Uncertain significance (1 of 4 stars; one submission).

Allele frequency attached by ClinVar (database versions not stated): TOPMed below 0.00001; ExAC 0.00001; gnomAD exomes below 0.00001; gnomAD 0.00001.
gnomAD v4.1: 3 of 1,614,042 alleles (0.00019%); highest among the groups gnomAD compares: Admixed American, 0.0033%; no homozygotes.

Submission:

Labcorp Genetics (formerly Invitae), Labcorp
Classification: Uncertain significance. Last evaluated: 2022-07-30. Review status: criteria provided, single submitter. Criteria: Invitae Variant Classification Sherloc (09022015). Collection method: clinical testing. Allele origin: germline.
Comment: This variant is present in population databases (rs748956377, gnomAD 0.006%). In summary, the available evidence is currently insufficient to determine the role of this variant in disease. Therefore, it has been classified as a Variant of Uncertain Significance. Algorithms developed to predict the effect of missense changes on protein structure and function are either unavailable or do not agree on the potential impact of this missense change (SIFT: "Tolerated"; PolyPhen-2: "Possibly Damaging"; Align-GVGD: "Class C0"). This variant has not been reported in the literature in individuals affected with SEMA4A-related conditions. This sequence change replaces proline, which is neutral and non-polar, with serine, which is neutral and polar, at codon 579 of the SEMA4A protein (p.Pro579Ser).

NM_022367.4(SEMA4A):c.1735C>T (p.Pro579Ser)

Gene: SEMA4A (semaphorin 4A; plus strand). Cytogenetic location: 1q22.
Variant type: single nucleotide variant.
Coding change: c.1735C>T on transcript NM_022367.4 (MANE Select); coding-DNA position 1735, C replaced by T.
Protein change: p.Pro579Ser; replaces proline 579 with serine.
Molecular consequence: missense variant.
Genome position (GRCh38, 1-based): chr1:156,176,446, C>T. VCF-style: chr1-156176446-C-T. GRCh37 (hg19) VCF-style: chr1-156146237-C-T.
Other names: c.1735C>T, p.Pro579Ser (NM_001193300.2, NM_001193301.2, NM_001370567.1); c.1339C>T, p.Pro447Ser (NM_001193302.2); c.1438C>T, p.Pro480Ser (NM_001370568.1); c.1228C>T, p.Pro410Ser (NM_001370569.1, NM_001370571.1); short protein forms P447S, P579S, P410S, P480S.
Identifiers: ClinVar variation 2051131 (VCV002051131.4), dbSNP rs748956377, ClinGen allele CA1155454.
Genomic context (GRCh38, chr1:156,176,446, plus strand): 5'-TCCTTTCTTTCTCCTACAGTTAAAGAAGTCCTGGCTGTCCCCAACTCCATCCTGGAGCTC[C>T]CCTGCCCCCACCTGTCAGCCTTGGCCTCTTATTATTGGAGTCATGGCCCAGCAGCAGTCC-3'
Protein context (NP_071762.2, residues 569-589): LAVPNSILEL[Pro579Ser]CPHLSALASY